The following is an entry in ClinVar:

ClinVar aggregate classification (germline): Uncertain significance (1 of 4 stars; one submission).

Conditions:
Inborn genetic diseases. Identifiers: MedGen C0950123, MeSH D030342.

Submission:

Ambry Genetics
Classification: Uncertain significance for Inborn genetic diseases. Last evaluated: 2026-03-01. Review status: criteria provided, single submitter. Criteria: Ambry Variant Classification Scheme 2023. Collection method: clinical testing. Allele origin: germline.
Comment: The p.C289Y variant (also known as c.866G>A), located in coding exon 3 of the MBD4 gene, results from a G to A substitution at nucleotide position 866. The cysteine at codon 289 is replaced by tyrosine, an amino acid with highly dissimilar properties. This amino acid position is conserved. In addition, the in silico prediction for this alteration is inconclusive. Based on the available evidence, the clinical significance of this variant remains unclear.

NM_001276270.2(MBD4):c.866G>A (p.Cys289Tyr)

Gene: MBD4 (methyl-CpG binding domain 4, DNA glycosylase; minus strand). Cytogenetic location: 3q21.3.
Variant type: single nucleotide variant.
Coding change: c.866G>A on transcript NM_001276270.2 (MANE Select); coding-DNA position 866, G replaced by A.
Protein change: p.Cys289Tyr; replaces cysteine 289 with tyrosine.
Molecular consequence: missense variant. On other transcripts: intron variant (1).
Genome position (GRCh38, 1-based): chr3:129,436,778, C>T on the plus strand (G>A on the coding strand, the complement: MBD4 is on the minus strand). VCF-style: chr3-129436778-C-T. GRCh37 (hg19) VCF-style: chr3-129155621-C-T.
Other names: c.866G>A, p.Cys289Tyr (NM_001276271.2, NM_001276272.2, NM_003925.3); c.247+1030G>A (NM_001276273.2); short protein forms C289Y.
Identifiers: ClinVar variation 4827728 (VCV004827728.1).